The following is an entry in ClinVar:

ClinVar aggregate classification (germline): Pathogenic (1 of 4 stars; one submission).

Submission:

GeneDx
Classification: Pathogenic. Last evaluated: 2015-08-14. Review status: criteria provided, single submitter. Criteria: GeneDx Variant Classification (06012015). Collection method: clinical testing. Allele origin: germline. Affected: yes.
Comment: The c.482_486delGATGC deletion in the VHL gene causes a frameshift starting with codon Arginine 161, changes this amino acid to a Proline residue and creates a premature Stop codon at position 11 of the new reading frame, denoted p.Arg161ProfsX11. This deletion is predicted to cause loss of normal protein function through protein truncation. Although this variant has not been previously reported to our knowledge, we interpret it as pathogenic.

NM_000551.4(VHL):c.482_486del (p.Arg161fs)

Genes: VHL (von Hippel-Lindau tumor suppressor; plus strand), LOC107303340 (3p25 von Hippel-Lindau tumor suppressor, E3 ubiquitin protein ligase Alu-mediated recombination region; plus strand). Cytogenetic location: 3p25.3.
Variant type: Deletion.
Coding change: c.482_486del on transcript NM_000551.4 (MANE Select); coding-DNA positions 482 to 486, 5 bases deleted (GATGC; older notation c.482_486delGATGC).
Protein change: p.Arg161fs; shifts the reading frame from arginine 161.
Molecular consequence: frameshift variant. On other transcripts: 3 prime UTR variant (1).
Genome position (GRCh38, 1-based): chr3:10,149,805-10,149,809, GATGC deleted; deleting any 5 consecutive bases within chr3:10,149,803-10,149,809 gives the same sequence; the c. name uses the placement nearest the transcript's 3' end. VCF-style (leftmost placement, unchanged base first): chr3-10149802-AGCGAT-A. GRCh37 (hg19) VCF-style: chr3-10191486-AGCGAT-A.
Other names: c.482_486delGATGC (NM_000551.3); c.*36_*40del (NM_001354723.2); c.359_363del, p.Arg120fs (NM_198156.3); short protein forms R120fs, R161fs.
Identifiers: ClinVar variation 419677 (VCV000419677.2), dbSNP rs1064794037, ClinGen allele CA16617791.
Genomic context (GRCh38, chr3:10,149,802, plus strand): 5'-TGAGACCCTAGTCTGCCACTGAGGATTTGGTTTTTGCCCTTCCAGTGTATACTCTGAAAG[AGCGAT>A]GCCTCCAGGTTGTCCGGAGCCTAGTCAAGCCTGAGAATTACAGGAGACTGGACATCGTCA-3'